The following is an entry in ClinVar:

NM_001035.3(RYR2):c.7512+3G>A

Gene: RYR2 (ryanodine receptor 2; plus strand). Cytogenetic location: 1q43.
Variant type: single nucleotide variant.
Coding change: c.7512+3G>A on transcript NM_001035.3 (MANE Select); 3 bases into the intron after coding-DNA position 7512, G replaced by A.
Molecular consequence: intron variant.
Genome position (GRCh38, 1-based): chr1:237,648,616, G>A. VCF-style: chr1-237648616-G-A. GRCh37 (hg19) VCF-style: chr1-237811916-G-A.
Identifiers: ClinVar variation 1759283 (VCV001759283.3), dbSNP rs2148790353, ClinGen allele CA2580062423.

ClinVar aggregate classification (germline): Uncertain significance. Review status: criteria provided, multiple submitters, no conflicts (2 of 4 stars). 2 submissions from 2 submitters: Uncertain significance (2). Last evaluated 2023-06-26.

Conditions:
Catecholaminergic polymorphic ventricular tachycardia (CVPT). Also called: Catecholamine-induced polymorphic ventricular tachycardia. Identifiers: Orphanet 3286, MedGen C5574922, MONDO:0017990.
Cardiovascular phenotype. Identifiers: MedGen CN230736.

Submissions (2):

All of Us Research Program, National Institutes of Health
Classification: Uncertain significance for Catecholaminergic polymorphic ventricular tachycardia. Last evaluated: 2023-06-26. Review status: criteria provided, single submitter. Criteria: ACMG Guidelines, 2015. Collection method: clinical testing. Allele origin: germline. Inheritance: Autosomal dominant inheritance. Observed: 1 variant allele, 1 heterozygote.
Comment: This variant causes a G to A nucleotide substitution at the +3 position of intron 49 of the RYR2 gene. To our knowledge, functional studies have not been reported for this variant. This variant has not been reported in individuals affected with RYR2-related disorders in the literature. This variant has not been identified in the general population by the Genome Aggregation Database (gnomAD). The available evidence is insufficient to determine the role of this variant in disease conclusively. Therefore, this variant is classified as a Variant of Uncertain Significance.

This study involves interpretation of variants in research participants for the purpose of population health screening. Participant phenotype was not available at the time of variant classification. Additional details can be found in publication PMID: 35346344, PMCID: PMC8962531

Ambry Genetics
Classification: Uncertain significance for Cardiovascular phenotype. Last evaluated: 2022-10-17. Review status: criteria provided, single submitter. Criteria: Ambry Variant Classification Scheme 2023. Collection method: clinical testing. Allele origin: germline.
Comment: The c.7512+3G>A intronic variant results from a G to A substitution 3 nucleotides after coding exon 49 in the RYR2 gene. This nucleotide position is poorly conserved in available vertebrate species. In silico splice site analysis predicts that this alteration will not have any significant effect on splicing. Since supporting evidence is limited at this time, the clinical significance of this alteration remains unclear.